The following is an entry in ClinVar:

NM_022455.5(NSD1):c.5951G>A (p.Arg1984Gln)

Gene: NSD1 (nuclear receptor binding SET domain protein 1; plus strand). Cytogenetic location: 5q35.3.
Variant type: single nucleotide variant.
Coding change: c.5951G>A on transcript NM_022455.5 (MANE Select); coding-DNA position 5951, G replaced by A.
Protein change: p.Arg1984Gln; replaces arginine 1984 with glutamine.
Molecular consequence: missense variant.
Genome position (GRCh38, 1-based): chr5:177,282,523, G>A. VCF-style: chr5-177282523-G-A. GRCh37 (hg19) VCF-style: chr5-176709524-G-A.
Other names: c.5951G>A, p.Arg1984Gln (NM_001409302.1, NM_001409303.1, NM_001409301.1); c.5531G>A, p.Arg1844Gln (NM_001409304.1); c.5198G>A, p.Arg1733Gln (NM_001409305.1); c.5189G>A, p.Arg1730Gln (NM_001409306.1, NM_001409307.1); c.5078G>A, p.Arg1693Gln (NM_001409308.1, NM_001409309.1, NM_001365684.2 and 1 more transcripts); short protein forms R1984Q, R1715Q, R1693Q, R1730Q, R1733Q, R1844Q.
Identifiers: ClinVar variation 159390 (VCV000159390.22), dbSNP rs587784169, ClinGen allele CA295010.

ClinVar aggregate classification (germline): Pathogenic. Review status: criteria provided, multiple submitters, no conflicts (2 of 4 stars). 7 submissions from 7 submitters: Pathogenic (7). Last evaluated 2025-12-02.

Conditions:
Sotos syndrome (SOTOS). Also called: Distinctive facial appearance, overgrowth in childhood, and learning disabilities or delayed development; CEREBRAL GIGANTISM; Sotos' syndrome; CHROMOSOME 5q35 DELETION SYNDROME; SOTOS SYNDROME 1. Identifiers: Orphanet 821, MedGen C0175695, MONDO:0019349, OMIM 117550.
Inborn genetic diseases. Identifiers: MedGen C0950123, MeSH D030342.

Submissions (7):

Ambry Genetics
Classification: Pathogenic for Inborn genetic diseases. Last evaluated: 2025-12-02. Review status: criteria provided, single submitter. Criteria: Ambry Variant Classification Scheme 2023. Collection method: clinical testing. Allele origin: germline.
Comment: The c.5951G>A (p.R1984Q) alteration is located in exon 19 (coding exon 18) of the NSD1 gene. This alteration results from a G to A substitution at nucleotide position 5951, causing the arginine (R) at amino acid position 1984 to be replaced by a glutamine (Q). This variant was not reported in population-based cohorts in the Genome Aggregation Database (gnomAD). This variant was reported in individual(s) with features consistent with Sotos syndrome; in at least one individual, it was determined to be de novo (Rio, 2003; Tatton-Brown, 2005; Pohjola, 2012). Other variant(s) at the same codon, c.5950C>G (p.R1984G) have been identified in individual(s) with features consistent with Sotos syndrome (de Boer, 2004). This amino acid position is highly conserved in available vertebrate species. This missense alteration is located in a region that has a low rate of benign missense variation (Lek, 2016; Firth, 2009). This alteration is predicted to be deleterious by in silico analysis. Based on the available evidence, this alteration is classified as pathogenic.

Women's Health and Genetics/Laboratory Corporation of America, LabCorp
Classification: Pathogenic for Sotos syndrome. Last evaluated: 2024-04-19. Review status: criteria provided, single submitter. Criteria: LabCorp Variant Classification Summary - May 2015. Collection method: clinical testing. Allele origin: germline.
Comment: Variant summary: NSD1 c.5951G>A (p.Arg1984Gln) results in a conservative amino acid change located in the SET domain (IPR001214) of the encoded protein sequence. Four of five in-silico tools predict a damaging effect of the variant on protein function. The variant was absent in 251304 control chromosomes (gnomAD). c.5951G>A has been reported in the literature in individuals affected with Sotos Syndrome, including one de novo occurrence (Tatton-Brown_2005, Lu_2017). These data indicate that the variant is likely to be associated with disease. At least two publication report experimental evidence evaluating an impact on protein function and this variant results in completely lost its ability to methylate H3 (Qiao_2010, Kudithipudi_2014). The following publications have been ascertained in the context of this evaluation (PMID: 27834868, 24412544, 29142766, 21196496, 15942875). ClinVar contains an entry for this variant (Variation ID: 159390). Based on the evidence outlined above, the variant was classified as pathogenic.

Institute for Clinical Genetics, University Hospital TU Dresden, University Hospital TU Dresden
Classification: Pathogenic for Sotos syndrome. Last evaluated: 2023-12-18. Review status: criteria provided, single submitter. Criteria: ACMG Guidelines, 2015. Collection method: clinical testing. Allele origin: de novo. Affected: yes.
Comment: The missense variant in the NSD1 gene (NM_022455.5:c.5951G>A, p.(Arg1984Gln)) leads to an amino acid exchange at position 1984 in the corresponding protein due to a base exchange at position 5951 of the mRNA. This variant is classified as pathogenic 5 times in the ClinVar database. Case studies in the literature show that this variant has already been detected de novo (PMID: 16247291). Empirically, the gene has an increased sensitivity to missense variants (Z-score 3.41). Bioinformatic prediction algorithms estimate the effect of the variant on protein function as deleterious (REVEL score 0.919). This was also confirmed by functional studies, which showed that the enzyme activity of the protein is lost with this variant (PMIDs: 24412544, 21196496, 27834868). The variant is located in the SET domain, where many pathogenic missense variants are known. Further variants are known at the same amino acid position, one of which is classified as pathogenic 1 time in the ClinVar database (p.(Arg1984Pro)) and one of which is listed in the literature as causing disease (p.(Arg1984Gly), PMID: 15452385). This variant has not yet been found in healthy individuals in the gnomAD database. According to current ACMG recommendations for variant evaluation (PMID 25741868), the criteria PS3_SUP, PS4, PM1, PM2_SUP, PM5_SUP, PM6, PP2 and PP3_MOD are fulfilled, resulting in an evaluation as a pathogenic variant (ACMG class 5).

Labcorp Genetics (formerly Invitae), Labcorp
Classification: Pathogenic. Last evaluated: 2022-04-30. Review status: criteria provided, single submitter. Criteria: Invitae Variant Classification Sherloc (09022015). Collection method: clinical testing. Allele origin: germline.
Comment: For these reasons, this variant has been classified as Pathogenic. Experimental studies have shown that this missense change affects NSD1 function (PMID: 21196496, 24412544, 27834868). Advanced modeling of protein sequence and biophysical properties (such as structural, functional, and spatial information, amino acid conservation, physicochemical variation, residue mobility, and thermodynamic stability) performed at Invitae indicates that this missense variant is expected to disrupt NSD1 protein function. ClinVar contains an entry for this variant (Variation ID: 159390). This missense change has been observed in individual(s) with Sotos syndrome (PMID: 12807965, 15942875, 16247291, 17561922, 17565729). In at least one individual the variant was observed to be de novo. This variant is not present in population databases (gnomAD no frequency). This sequence change replaces arginine, which is basic and polar, with glutamine, which is neutral and polar, at codon 1984 of the NSD1 protein (p.Arg1984Gln).

GeneDx
Classification: Pathogenic. Last evaluated: 2021-12-13. Review status: criteria provided, single submitter. Criteria: GeneDx Variant Classification Process June 2021. Collection method: clinical testing. Allele origin: germline. Affected: yes.
Comment: Not observed in large population cohorts (Lek et al., 2016); In silico analysis supports that this missense variant has a deleterious effect on protein structure/function; This variant is associated with the following publications: (PMID: 21196496, 17565729, 24412544, 27834868, 16010675, 17561922, 15452385, 16247291, 12807965, 29142766)

Genome-Nilou Lab
Classification: Pathogenic for Sotos syndrome. Last evaluated: 2021-07-15. Review status: criteria provided, single submitter. Criteria: ACMG Guidelines, 2015. Collection method: clinical testing. Allele origin: germline. Affected: no.

Genetic Services Laboratory, University of Chicago
Classification: Pathogenic for Sotos syndrome 1. Last evaluated: 2013-02-08. Review status: criteria provided, single submitter. Criteria: ACMG Guidelines, 2007. Collection method: clinical testing. Allele origin: germline. Inheritance: Autosomal dominant inheritance. Affected: yes.

Literature cited by the submitters: PubMed 12807965 (cited by Ambry Genetics and Labcorp Genetics (formerly Invitae), Labcorp); PubMed 15452385 (cited by Ambry Genetics); PubMed 15942875 (cited by 3 submitters); PubMed 22924495 (cited by Ambry Genetics); PubMed 27834868 (cited by Women's Health and Genetics/Laboratory Corporation of America, LabCorp and Labcorp Genetics (formerly Invitae), Labcorp); PubMed 24412544 (cited by Women's Health and Genetics/Laboratory Corporation of America, LabCorp and Labcorp Genetics (formerly Invitae), Labcorp); PubMed 29142766 (cited by Women's Health and Genetics/Laboratory Corporation of America, LabCorp); PubMed 21196496 (cited by Women's Health and Genetics/Laboratory Corporation of America, LabCorp and Labcorp Genetics (formerly Invitae), Labcorp); PubMed 16247291 (cited by Labcorp Genetics (formerly Invitae), Labcorp); PubMed 17561922 (cited by Labcorp Genetics (formerly Invitae), Labcorp); PubMed 17565729 (cited by Labcorp Genetics (formerly Invitae), Labcorp).